The following is an entry in ClinVar:

NM_000722.4(CACNA2D1):c.1180T>C (p.Tyr394His)

Genes: CACNA2D1 (calcium voltage-gated channel auxiliary subunit alpha2delta 1; minus strand), CACNA2D1-AS1 (CACNA2D1 antisense RNA 1; plus strand). Cytogenetic location: 7q21.11.
Variant type: single nucleotide variant.
Coding change: c.1180T>C on transcript NM_000722.4 (MANE Select); coding-DNA position 1180, T replaced by C.
Protein change: p.Tyr394His; replaces tyrosine 394 with histidine.
Molecular consequence: missense variant.
Genome position (GRCh38, 1-based): chr7:82,014,443, A>G on the plus strand (T>C on the coding strand, the complement: CACNA2D1 is on the minus strand). VCF-style: chr7-82014443-A-G. GRCh37 (hg19) VCF-style: chr7-81643759-A-G.
Other names: c.1180T>C, p.Tyr394His (NM_001366867.1); short protein forms Y394H.
Identifiers: ClinVar variation 2756248 (VCV002756248.3), dbSNP rs2485270272, ClinGen allele CA367878212.
Genomic context (GRCh38, chr7:82,014,443, plus strand): 5'-AGAAAACAGATTTGTTACCTTTGTTTTCACAGGCCATCCACTGAATAGGTCCTCTGTCAT[A>G]ATTGTGTTGACCAACTGAAAACGTGAATACACGTACCTGGATGAATTGAAAAATAGGTAT-3'
Protein context (NP_000713.2, residues 384-404): VFTFSVGQHN[Tyr394His]DRGPIQWMAC

ClinVar aggregate classification (germline): Uncertain significance (1 of 4 stars; one submission).

Conditions:
Brugada syndrome. Also called: Sudden unexpected nocturnal death syndrome; Sudden Unexplained Death Syndrome; Sudden Unexplained Nocturnal Death Syndrome (SUNDS); Sudden unexplained nocturnal death syndrome. Identifiers: Orphanet 130, MedGen C1142166, MONDO:0015263.

Submission:

Labcorp Genetics (formerly Invitae), Labcorp
Classification: Uncertain significance for Brugada syndrome. Last evaluated: 2023-09-09. Review status: criteria provided, single submitter. Criteria: Invitae Variant Classification Sherloc (09022015). Collection method: clinical testing. Allele origin: germline.
Comment: In summary, the available evidence is currently insufficient to determine the role of this variant in disease. Therefore, it has been classified as a Variant of Uncertain Significance. An algorithm developed to predict the effect of missense changes on protein structure and function (PolyPhen-2) suggests that this variant is likely to be disruptive. This variant has not been reported in the literature in individuals affected with CACNA2D1-related conditions. This variant is not present in population databases (gnomAD no frequency). This sequence change replaces tyrosine, which is neutral and polar, with histidine, which is basic and polar, at codon 394 of the CACNA2D1 protein (p.Tyr394His).